The following is an entry in ClinVar:

NM_004006.3(DMD):c.9472T>A (p.Tyr3158Asn)

Gene: DMD (dystrophin; minus strand). Cytogenetic location: Xp21.2.
Variant type: single nucleotide variant.
Coding change: c.9472T>A on transcript NM_004006.3 (MANE Select); coding-DNA position 9472, T replaced by A.
Protein change: p.Tyr3158Asn; replaces tyrosine 3158 with asparagine.
Molecular consequence: missense variant.
Genome position (GRCh38, 1-based): chrX:31,209,589, A>T on the plus strand (T>A on the coding strand, the complement: DMD is on the minus strand). VCF-style: chrX-31209589-A-T. GRCh37 (hg19) VCF-style: chrX-31227706-A-T.
Other names: c.9448T>A, p.Tyr3150Asn (NM_000109.4); c.9460T>A, p.Tyr3154Asn (NM_004009.3); c.9103T>A, p.Tyr3035Asn (NM_004010.3); c.5449T>A, p.Tyr1817Asn (NM_004011.4); c.5440T>A, p.Tyr1814Asn (NM_004012.4); c.2092T>A, p.Tyr698Asn (NM_004013.3, NM_004020.4, NM_004021.3 and 2 more transcripts); c.1285T>A, p.Tyr429Asn (NM_004014.3); c.268T>A, p.Tyr90Asn (NM_004015.3, NM_004016.3, NM_004017.3 and 2 more transcripts); short protein forms Y1814N, Y1817N, Y3035N, Y3150N, Y3154N, Y3158N, Y429N, Y698N.
Identifiers: ClinVar variation 1691219 (VCV001691219.2), dbSNP rs2148591743, ClinGen allele CA412649925.
Genomic context (GRCh38, chrX:31,209,589, plus strand): 5'-ACATATCCACGCAGAGAGGGACGTTGACCAAATTGTTGTGCTCTTGCTCCAGGCGGTCAT[A>T]AATAGTGGTCAAACAATTAATAATCTGCAGGATATCCATGGGCTGGTCATTTTGCTTGAG-3'
Protein context (NP_003997.2, residues 3148-3168): LQIINCLTTI[Tyr3158Asn]DRLEQEHNNL

ClinVar aggregate classification (germline): Uncertain significance (1 of 4 stars; one submission).

Submission:

GeneDx
Classification: Uncertain significance. Last evaluated: 2022-05-31. Review status: criteria provided, single submitter. Criteria: GeneDx Variant Classification Process June 2021. Collection method: clinical testing. Allele origin: germline. Affected: yes.
Comment: Not observed at significant frequency in large population cohorts (gnomAD); In silico analysis supports that this missense variant has a deleterious effect on protein structure/function; Missense variant in a gene in which most reported pathogenic variants are truncating/loss-of-function; Has not been previously published as pathogenic or benign to our knowledge